The following is an entry in ClinVar:

NM_002691.4(POLD1):c.397G>A (p.Glu133Lys)

Gene: POLD1 (DNA polymerase delta 1, catalytic subunit; plus strand). Cytogenetic location: 19q13.33.
Variant type: single nucleotide variant.
Coding change: c.397G>A on transcript NM_002691.4 (MANE Select); coding-DNA position 397, G replaced by A.
Protein change: p.Glu133Lys; replaces glutamic acid 133 with lysine.
Molecular consequence: missense variant. On other transcripts: non-coding transcript variant (1).
Genome position (GRCh38, 1-based): chr19:50,401,858, G>A. VCF-style: chr19-50401858-G-A. GRCh37 (hg19) VCF-style: chr19-50905115-G-A.
Other names: c.397G>A, p.Glu133Lys (NM_001256849.1, NM_001308632.1); c.397G>A (NM_002691.2); short protein forms E133K.
Identifiers: ClinVar variation 1467265 (VCV001467265.7), dbSNP rs2122233621, ClinGen allele CA406972439.

ClinVar aggregate classification (germline): Uncertain significance. Review status: criteria provided, multiple submitters, no conflicts (2 of 4 stars). 2 submissions from 2 submitters: Uncertain significance (2). Last evaluated 2026-01-18.

Conditions:
POLD1-related polyposis and colorectal cancer syndrome (CRCS10). Also called: Colorectal cancer 10; COLORECTAL CANCER, SUSCEPTIBILITY TO, ON CHROMOSOME 19q; Colorectal cancer, susceptibility to, 10. Identifiers: Orphanet 220460, MedGen C2675481, MONDO:0012953, OMIM 612591.
Hereditary cancer-predisposing syndrome. Also called: Neoplastic Syndromes, Hereditary; Tumor predisposition; Hereditary Cancer Syndrome; Hereditary neoplastic syndrome. Identifiers: Orphanet 140162, MedGen C0027672, MeSH D009386, MONDO:0015356.

Allele frequency attached by ClinVar (database versions not stated): gnomAD exomes below 0.00001.
gnomAD v4.1: 1 of 1,614,042 alleles (0.000062%); highest among the groups gnomAD compares: Non-Finnish European, 0.000085%; no homozygotes.

Submissions (2):

Ambry Genetics
Classification: Uncertain significance for Hereditary cancer-predisposing syndrome. Last evaluated: 2026-01-18. Review status: criteria provided, single submitter. Criteria: Ambry Variant Classification Scheme 2023. Collection method: clinical testing. Allele origin: germline.
Comment: The p.E133K variant (also known as c.397G>A), located in coding exon 3 of the POLD1 gene, results from a G to A substitution at nucleotide position 397. The glutamic acid at codon 133 is replaced by lysine, an amino acid with similar properties. This amino acid position is conserved. In addition, this alteration is predicted to be tolerated by in silico analysis. Based on the available evidence, the clinical significance of this variant remains unclear.

Labcorp Genetics (formerly Invitae), Labcorp
Classification: Uncertain significance for POLD1-related polyposis and colorectal cancer syndrome. Last evaluated: 2024-04-22. Review status: criteria provided, single submitter. Criteria: Invitae Variant Classification Sherloc (09022015). Collection method: clinical testing. Allele origin: germline.
Comment: This sequence change replaces glutamic acid, which is acidic and polar, with lysine, which is basic and polar, at codon 133 of the POLD1 protein (p.Glu133Lys). This variant is not present in population databases (gnomAD no frequency). This variant has not been reported in the literature in individuals affected with POLD1-related conditions. ClinVar contains an entry for this variant (Variation ID: 1467265). Advanced modeling of protein sequence and biophysical properties (such as structural, functional, and spatial information, amino acid conservation, physicochemical variation, residue mobility, and thermodynamic stability) performed at Invitae indicates that this missense variant is not expected to disrupt POLD1 protein function with a negative predictive value of 80%. In summary, the available evidence is currently insufficient to determine the role of this variant in disease. Therefore, it has been classified as a Variant of Uncertain Significance.